The following is an entry in ClinVar:

ClinVar aggregate classification (germline): Likely benign (1 of 4 stars; one submission).

Submission:

CeGaT Center for Human Genetics Tuebingen
Classification: Likely benign. Last evaluated: 2025-09-01. Review status: criteria provided, single submitter. Criteria: CeGaT Center For Human Genetics Tuebingen Variant Classification Criteria Version 2. Collection method: clinical testing. Allele origin: germline. Affected: yes. Observed: 1 variant allele.
Comment: GAGE2A: PM2:Supporting, BP4, BP7

NM_001127212.4(GAGE2A):c.51A>G (p.Val17=)

Gene: GAGE2A (G antigen 2A; plus strand). Cytogenetic location: Xp11.23.
Variant type: single nucleotide variant.
Coding change: c.51A>G on transcript NM_001127212.4 (MANE Select); coding-DNA position 51, A replaced by G.
Protein change: p.Val17=; no amino-acid change (valine 17 retained).
Molecular consequence: synonymous variant.
Genome position (GRCh38, 1-based): chrX:49,590,701, A>G. VCF-style: chrX-49590701-A-G. GRCh37 (hg19) VCF-style: chrX-49355304-A-G.
Identifiers: ClinVar variation 4534569 (VCV004534569.6).